The following is an entry in ClinVar:

ClinVar aggregate classification (germline): Uncertain significance (1 of 4 stars; one submission).

Allele frequency attached by ClinVar (database versions not stated): ExAC 0.00002; gnomAD exomes 0.00002.
gnomAD v4.1: 8 of 1,614,182 alleles (0.0005%); highest among the groups gnomAD compares: Admixed American, 0.01%; no homozygotes.

Submission:

Labcorp Genetics (formerly Invitae), Labcorp
Classification: Uncertain significance. Last evaluated: 2021-07-29. Review status: criteria provided, single submitter. Criteria: Invitae Variant Classification Sherloc (09022015). Collection method: clinical testing. Allele origin: germline.
Comment: This sequence change replaces aspartic acid with glutamic acid at codon 1935 of the SZT2 protein (p.Asp1935Glu). The aspartic acid residue is highly conserved and there is a small physicochemical difference between aspartic acid and glutamic acid. This variant is present in population databases (rs746260739, ExAC 0.009%). This variant has not been reported in the literature in individuals affected with SZT2-related conditions. Algorithms developed to predict the effect of missense changes on protein structure and function (SIFT, PolyPhen-2, Align-GVGD) all suggest that this variant is likely to be tolerated. In summary, the available evidence is currently insufficient to determine the role of this variant in disease. Therefore, it has been classified as a Variant of Uncertain Significance.

NM_001365999.1(SZT2):c.5976T>A (p.Asp1992Glu)

Gene: SZT2 (SZT2 subunit of KICSTOR complex; plus strand). Cytogenetic location: 1p34.2.
Variant type: single nucleotide variant.
Coding change: c.5976T>A on transcript NM_001365999.1 (MANE Select); coding-DNA position 5976, T replaced by A.
Protein change: p.Asp1992Glu; replaces aspartic acid 1992 with glutamic acid.
Molecular consequence: missense variant.
Genome position (GRCh38, 1-based): chr1:43,435,271, T>A. VCF-style: chr1-43435271-T-A. GRCh37 (hg19) VCF-style: chr1-43900942-T-A.
Other names: c.5805T>A, p.Asp1935Glu (NM_015284.4); short protein forms D1935E, D1992E.
Identifiers: ClinVar variation 1502896 (VCV001502896.3), dbSNP rs746260739, ClinGen allele CA809754.